The following is an entry in ClinVar:

NM_000238.4(KCNH2):c.1465A>T (p.Ile489Phe)

Gene: KCNH2 (potassium voltage-gated channel subfamily H member 2; minus strand). Cytogenetic location: 7q36.1.
Variant type: single nucleotide variant.
Coding change: c.1465A>T on transcript NM_000238.4 (MANE Select); coding-DNA position 1465, A replaced by T.
Protein change: p.Ile489Phe; replaces isoleucine 489 with phenylalanine.
Molecular consequence: missense variant.
Genome position (GRCh38, 1-based): chr7:150,952,517, T>A on the plus strand (A>T on the coding strand, the complement: KCNH2 is on the minus strand). VCF-style: chr7-150952517-T-A. GRCh37 (hg19) VCF-style: chr7-150649605-T-A.
Other names: c.1465A>T (LRG_288t1); c.445A>T, p.Ile149Phe (NM_001204798.2, NM_172057.3); c.1177A>T, p.Ile393Phe (NM_001406753.1, NM_001406756.1); c.1288A>T, p.Ile430Phe (NM_001406755.1); c.1165A>T, p.Ile389Phe (NM_001406757.1); c.1465A>T, p.Ile489Phe (NM_172056.3); short protein forms I149F, I489F, I389F, I430F, I393F.
Identifiers: ClinVar variation 67201 (VCV000067201.3), dbSNP rs199472909, ClinGen allele CA004644.

ClinVar aggregate classification (germline): not provided (0 of 4 stars; one submission).

Conditions:
Familial long QT syndrome (RWS). Also called: Congenital long QT syndrome; Romano-Ward syndrome; VENTRICULAR FIBRILLATION WITH PROLONGED QT INTERVAL. Identifiers: Orphanet 768, MedGen C1141890, MONDO:0019171.

Submission:

Cardiovascular Biomedical Research Unit, Royal Brompton & Harefield NHS Foundation Trust
No classification provided. Condition: Familial long QT syndrome. Review status: no classification provided. Collection method: literature only. Allele origin: germline.
Comment: This variant has been reported as associated with Long QT syndrome in the following publications (PMID:18441445). This is a literature report, and does not necessarily reflect the clinical interpretation of the Imperial College / Royal Brompton Cardiovascular Genetics laboratory.

Literature cited by the submitters: PubMed 18441445; PubMed 22581653.